The following is an entry in ClinVar:

ClinVar aggregate classification (germline): Uncertain significance. Review status: criteria provided, multiple submitters, no conflicts (2 of 4 stars). 2 submissions from 2 submitters: Uncertain significance (2). Last evaluated 2024-07-02.

Conditions:
Inborn genetic diseases. Identifiers: MedGen C0950123, MeSH D030342.
Epidermolysis bullosa simplex with nail dystrophy (EBS5D). Identifiers: MedGen C4225309, MONDO:0014661, OMIM 616487.
Epidermolysis bullosa simplex 5B, with muscular dystrophy (EBS5B). Also called: EPIDERMOLYSIS BULLOSA SIMPLEX AND LIMB-GIRDLE MUSCULAR DYSTROPHY; Epidermolysis bullosa simplex with muscular dystrophy. Identifiers: Orphanet 257, MedGen C2931072, MONDO:0009181, OMIM 226670.
Epidermolysis bullosa simplex, Ogna type (EBS5A). Also called: Pidermolysis bullosa simplex 5A, Ogna type; EPIDERMOLYSIS BULLOSA SIMPLEX 5A, OGNA TYPE. Identifiers: Orphanet 79401, MedGen C0432317, MONDO:0007555, OMIM 131950.
Autosomal recessive limb-girdle muscular dystrophy type 2Q (LGMDR17). Also called: MUSCULAR DYSTROPHY, LIMB-GIRDLE, AUTOSOMAL RECESSIVE 17. Identifiers: Orphanet 254361, MedGen C3150989, MONDO:0013390, OMIM 613723.
Epidermolysis bullosa simplex 5C, with pyloric atresia (EBS5C). Also called: PLEC-Related Epidermolysis Bullosa with Pyloric Atresia; Epidermolysis bullosa simplex with pyloric atresia; PLEC1-Related Epidermolysis Bullosa with Pyloric Atresia. Identifiers: Orphanet 158684, MedGen C2677349, MONDO:0012807, OMIM 612138.

Allele frequency attached by ClinVar (database versions not stated): ExAC 0.00001; gnomAD exomes 0.00001; TOPMed 0.00001.
gnomAD v4.1: 28 of 1,611,454 alleles (0.0017%); highest among the groups gnomAD compares: East Asian, 0.0089%; no homozygotes.

Submissions (2):

Ambry Genetics
Classification: Uncertain significance for Inborn genetic diseases. Last evaluated: 2024-07-02. Review status: criteria provided, single submitter. Criteria: Ambry Variant Classification Scheme 2023. Collection method: clinical testing. Allele origin: germline.

Labcorp Genetics (formerly Invitae), Labcorp
Classification: Uncertain significance for Autosomal recessive limb-girdle muscular dystrophy type 2Q; Epidermolysis bullosa simplex, Ogna type; Epidermolysis bullosa simplex with nail dystrophy; Epidermolysis bullosa simplex 5C, with pyloric atresia; Epidermolysis bullosa simplex 5B, with muscular dystrophy. Last evaluated: 2022-07-19. Review status: criteria provided, single submitter. Criteria: Invitae Variant Classification Sherloc (09022015). Collection method: clinical testing. Allele origin: germline.
Comment: In summary, the available evidence is currently insufficient to determine the role of this variant in disease. Therefore, it has been classified as a Variant of Uncertain Significance. Algorithms developed to predict the effect of missense changes on protein structure and function are either unavailable or do not agree on the potential impact of this missense change (SIFT: "Deleterious"; PolyPhen-2: "Not Available"; Align-GVGD: "Class C25"). ClinVar contains an entry for this variant (Variation ID: 538980). This variant has not been reported in the literature in individuals affected with PLEC-related conditions. The frequency data for this variant in the population databases is considered unreliable, as metrics indicate poor data quality at this position in the gnomAD database. This sequence change replaces arginine, which is basic and polar, with histidine, which is basic and polar, at codon 928 of the PLEC protein (p.Arg928His).

NM_201384.3(PLEC):c.2702G>A (p.Arg901His)

Gene: PLEC (plectin; minus strand). Cytogenetic location: 8q24.3.
Variant type: single nucleotide variant.
Coding change: c.2702G>A on transcript NM_201384.3 (MANE Select); coding-DNA position 2702, G replaced by A.
Protein change: p.Arg901His; replaces arginine 901 with histidine.
Molecular consequence: missense variant.
Genome position (GRCh38, 1-based): chr8:143,929,973, C>T on the plus strand (G>A on the coding strand, the complement: PLEC is on the minus strand). VCF-style: chr8-143929973-C-T. GRCh37 (hg19) VCF-style: chr8-145004141-C-T.
Other names: c.2783G>A, p.Arg928His (NM_000445.5); c.2660G>A, p.Arg887His (NM_201378.4); c.2636G>A, p.Arg879His (NM_201379.3); c.3113G>A, p.Arg1038His (NM_201380.4); c.2606G>A, p.Arg869His (NM_201381.3); c.2702G>A, p.Arg901His (NM_201382.4); c.2714G>A, p.Arg905His (NM_201383.3); c.2783G>A (NM_000445.3); short protein forms R879H, R901H, R905H, R1038H, R869H, R887H, R928H.
Identifiers: ClinVar variation 538980 (VCV000538980.7), dbSNP rs782494047, ClinGen allele CA4927411.